The following is an entry in ClinVar:

ClinVar aggregate classification (germline): Uncertain significance. Review status: criteria provided, multiple submitters, no conflicts (2 of 4 stars). 2 submissions from 2 submitters: Uncertain significance (2). Last evaluated 2025-10-07.

Conditions:
Neurodevelopmental disorder with hearing loss and spasticity. Identifiers: Orphanet 659975, MedGen C5562024, MONDO:0859206, OMIM 619616.

Submissions (2):

3billion
Classification: Uncertain significance for Neurodevelopmental disorder with hearing loss and spasticity. Last evaluated: 2025-10-07. Review status: criteria provided, single submitter. Criteria: ACMG Guidelines, 2015. Collection method: clinical testing. Allele origin: germline. Affected: yes.
Comment: The variant is not observed in the gnomAD v4.1.0 dataset. Predicted Consequence/Location: Missense variant In silico tool predictions suggest damaging effect of the variant on gene or gene product [REVEL: 0.65 (>=0.6, sensitivity 0.68 and specificity 0.92)]. The variant has been reported as of uncertain significance (ClinVar ID: VCV002581993). Therefore, this variant is classified as VUS according to the recommendation of ACMG/AMP guideline.

GeneDx
Classification: Uncertain significance. Last evaluated: 2023-03-28. Review status: criteria provided, single submitter. Criteria: GeneDx Variant Classification Process June 2021. Collection method: clinical testing. Allele origin: germline. Affected: yes.
Comment: Not observed at significant frequency in large population cohorts (gnomAD); In silico analysis supports that this missense variant has a deleterious effect on protein structure/function; Has not been previously published as pathogenic or benign to our knowledge

NM_024063.3(AFG2B):c.863G>C (p.Arg288Pro)

Gene: AFG2B (AAA ATPase AFG2B; plus strand). Cytogenetic location: 15q21.1.
Variant type: single nucleotide variant.
Coding change: c.863G>C on transcript NM_024063.3 (MANE Select); coding-DNA position 863, G replaced by C.
Protein change: p.Arg288Pro; replaces arginine 288 with proline.
Molecular consequence: missense variant. On other transcripts: non-coding transcript variant (5).
Genome position (GRCh38, 1-based): chr15:45,403,292, G>C. VCF-style: chr15-45403292-G-C. GRCh37 (hg19) VCF-style: chr15-45695490-G-C.
Other names: c.863G>C, p.Arg288Pro (NM_001323640.2); short protein forms R288P.
Identifiers: ClinVar variation 2581993 (VCV002581993.2), dbSNP rs2542045064, ClinGen allele CA392263739.